The following is an entry in ClinVar:

ClinVar aggregate classification (germline): Uncertain significance (1 of 4 stars; one submission).

Conditions:
Primary ciliary dyskinesia. Also called: Ciliary dyskinesia. Identifiers: Orphanet 244, MedGen C0008780, MONDO:0016575, HP:0012265.

gnomAD v4.1: 3 of 1,561,776 alleles (0.00019%); highest among the groups gnomAD compares: Non-Finnish European, 0.00017%; no homozygotes.

Submission:

Labcorp Genetics (formerly Invitae), Labcorp
Classification: Uncertain significance for Primary ciliary dyskinesia. Last evaluated: 2022-06-13. Review status: criteria provided, single submitter. Criteria: Invitae Variant Classification Sherloc (09022015). Collection method: clinical testing. Allele origin: germline.
Comment: This sequence change replaces glutamic acid, which is acidic and polar, with lysine, which is basic and polar, at codon 60 of the DNAAF2 protein (p.Glu60Lys). This variant is not present in population databases (gnomAD no frequency). This variant has not been reported in the literature in individuals affected with DNAAF2-related conditions. Algorithms developed to predict the effect of missense changes on protein structure and function are either unavailable or do not agree on the potential impact of this missense change (SIFT: "Deleterious"; PolyPhen-2: "Probably Damaging"; Align-GVGD: "Class C0"). In summary, the available evidence is currently insufficient to determine the role of this variant in disease. Therefore, it has been classified as a Variant of Uncertain Significance.

NM_018139.3(DNAAF2):c.178G>A (p.Glu60Lys)

Gene: DNAAF2 (dynein axonemal assembly factor 2; minus strand). Cytogenetic location: 14q21.3.
Variant type: single nucleotide variant.
Coding change: c.178G>A on transcript NM_018139.3 (MANE Select); coding-DNA position 178, G replaced by A.
Protein change: p.Glu60Lys; replaces glutamic acid 60 with lysine.
Molecular consequence: missense variant.
Genome position (GRCh38, 1-based): chr14:49,634,972, C>T on the plus strand (G>A on the coding strand, the complement: DNAAF2 is on the minus strand). VCF-style: chr14-49634972-C-T. GRCh37 (hg19) VCF-style: chr14-50101690-C-T.
Other names: c.178G>A, p.Glu60Lys (NM_001083908.2); short protein forms E60K.
Identifiers: ClinVar variation 1494181 (VCV001494181.5), dbSNP rs1180545101, ClinGen allele CA389632388.